The following is an entry in ClinVar:

ClinVar aggregate classification (germline): Uncertain significance. Review status: criteria provided, multiple submitters, no conflicts (2 of 4 stars). 2 submissions from 2 submitters: Uncertain significance (2). Last evaluated 2025-02-12.

Conditions:
Inborn genetic diseases. Identifiers: MedGen C0950123, MeSH D030342.

Allele frequency attached by ClinVar (database versions not stated): TOPMed 0.00001.
gnomAD v4.1: 2 of 1,611,254 alleles (0.00012%); highest among the groups gnomAD compares: Non-Finnish European, 0.00017%; no homozygotes.

Submissions (2):

Ambry Genetics
Classification: Uncertain significance for Inborn genetic diseases. Last evaluated: 2025-02-12. Review status: criteria provided, single submitter. Criteria: Ambry Variant Classification Scheme 2023. Collection method: clinical testing. Allele origin: germline.
Comment: The p.R267Q variant (also known as c.800G>A), located in coding exon 9 of the DDX41 gene, results from a G to A substitution at nucleotide position 800. The arginine at codon 267 is replaced by glutamine, an amino acid with highly similar properties. This amino acid position is highly conserved in available vertebrate species. In addition, this alteration is predicted to be deleterious by in silico analysis. Based on the available evidence, the clinical significance of this variant remains unclear.

Labcorp Genetics (formerly Invitae), Labcorp
Classification: Uncertain significance. Last evaluated: 2023-06-21. Review status: criteria provided, single submitter. Criteria: Invitae Variant Classification Sherloc (09022015). Collection method: clinical testing. Allele origin: germline.
Comment: An algorithm developed to predict the effect of missense changes on protein structure and function (PolyPhen-2) suggests that this variant is likely to be disruptive. In summary, the available evidence is currently insufficient to determine the role of this variant in disease. Therefore, it has been classified as a Variant of Uncertain Significance. Algorithms developed to predict the effect of sequence changes on RNA splicing suggest that this variant may create or strengthen a splice site. This variant has not been reported in the literature in individuals affected with DDX41-related conditions. This variant is present in population databases (no rsID available, gnomAD 0.004%). This sequence change replaces arginine, which is basic and polar, with glutamine, which is neutral and polar, at codon 267 of the DDX41 protein (p.Arg267Gln).

NM_016222.4(DDX41):c.800G>A (p.Arg267Gln)

Gene: DDX41 (DEAD-box helicase 41; minus strand). Cytogenetic location: 5q35.3.
Variant type: single nucleotide variant.
Coding change: c.800G>A on transcript NM_016222.4 (MANE Select); coding-DNA position 800, G replaced by A.
Protein change: p.Arg267Gln; replaces arginine 267 with glutamine.
Molecular consequence: missense variant.
Genome position (GRCh38, 1-based): chr5:177,514,836, C>T on the plus strand (G>A on the coding strand, the complement: DDX41 is on the minus strand). VCF-style: chr5-177514836-C-T. GRCh37 (hg19) VCF-style: chr5-176941837-C-T.
Other names: c.800G>A (NM_016222.2); c.422G>A, p.Arg141Gln (NM_001321732.2, NM_001321830.2); short protein forms R141Q, R267Q.
Identifiers: ClinVar variation 2919715 (VCV002919715.4), dbSNP rs1000039111, ClinGen allele CA132892067.